The following is an entry in ClinVar:

ClinVar aggregate classification (germline): Likely benign. Review status: criteria provided, single submitter (1 of 4 stars). 2 submissions from 2 submitters: Likely benign (1). 1 of the submissions does not count toward it. Last evaluated 2025-09-22.

Conditions:
SPEG-related disorder. Also called: SPEG-related condition.

Allele frequency attached by ClinVar (database versions not stated): ExAC 0.00002; gnomAD exomes 0.00004.
gnomAD v4.1: 12 of 1,593,156 alleles (0.00075%); highest among the groups gnomAD compares: Admixed American, 0.022%; no homozygotes.

Submissions (2):

Labcorp Genetics (formerly Invitae), Labcorp
Classification: Likely benign. Last evaluated: 2025-09-22. Review status: criteria provided, single submitter. Criteria: Invitae Variant Classification Sherloc (09022015). Collection method: clinical testing. Allele origin: germline.

PreventionGenetics, part of Exact Sciences
Classification: Likely benign for SPEG-related condition. Last evaluated: 2019-06-27. Review status: no assertion criteria provided. Collection method: clinical testing. Allele origin: germline. Not counted in ClinVar's aggregate classification.
Comment: This variant is classified as likely benign based on ACMG/AMP sequence variant interpretation guidelines (Richards et al. 2015 PMID: 25741868, with internal and published modifications).

NM_005876.5(SPEG):c.2616+7C>A

Gene: SPEG (striated muscle enriched protein kinase; plus strand). Cytogenetic location: 2q35.
Variant type: single nucleotide variant.
Coding change: c.2616+7C>A on transcript NM_005876.5 (MANE Select); 7 bases into the intron after coding-DNA position 2616, C replaced by A.
Molecular consequence: intron variant.
Genome position (GRCh38, 1-based): chr2:219,462,064, C>A. VCF-style: chr2-219462064-C-A. GRCh37 (hg19) VCF-style: chr2-220326786-C-A.
Other names: c.69+7C>A (NM_001173476.2); c.2616+7C>A (NM_005876.4).
Identifiers: ClinVar variation 1578951 (VCV001578951.9), dbSNP rs766400951, ClinGen allele CA2125892.
Genomic context (GRCh38, chr2:219,462,064, plus strand): 5'-AGCCAGAACCGCCGTTCTTCTGACACTGGCTCCAAGGCACCCCCCACCTTCAAGGTCAGA[C>A]CCCTGAGGCTGGGGCCTAGCCTCCTGTGTGCCCCCGTTCCTTTGGGTGCCCCCTTGTTCT-3'